The following is an entry in ClinVar:

NM_000441.2(SLC26A4):c.637A>T (p.Arg213Trp)

Gene: SLC26A4 (solute carrier family 26 member 4; plus strand). Cytogenetic location: 7q22.3.
Variant type: single nucleotide variant.
Coding change: c.637A>T on transcript NM_000441.2 (MANE Select); coding-DNA position 637, A replaced by T.
Protein change: p.Arg213Trp; replaces arginine 213 with tryptophan.
Molecular consequence: missense variant.
Genome position (GRCh38, 1-based): chr7:107,674,981, A>T. VCF-style: chr7-107674981-A-T. GRCh37 (hg19) VCF-style: chr7-107315426-A-T.
Other names: c.637A>T (NM_000441.1); short protein forms R213W.
Identifiers: ClinVar variation 2151096 (VCV002151096.3), dbSNP rs1193104111, ClinGen allele CA368831194.

ClinVar aggregate classification (germline): Uncertain significance. Review status: criteria provided, multiple submitters, no conflicts (2 of 4 stars). 3 submissions from 3 submitters: Uncertain significance (3). Last evaluated 2024-12-03.

Conditions:
Inborn genetic diseases. Identifiers: MedGen C0950123, MeSH D030342.

Allele frequency attached by ClinVar (database versions not stated): gnomAD exomes below 0.00001; TOPMed below 0.00001; gnomAD 0.00001.
gnomAD v4.1: 2 of 1,613,878 alleles (0.00012%); highest among the groups gnomAD compares: Non-Finnish European, 0.00017%; no homozygotes.

Submissions (3):

Ambry Genetics
Classification: Uncertain significance for Inborn genetic diseases. Last evaluated: 2024-12-03. Review status: criteria provided, single submitter. Criteria: Ambry Variant Classification Scheme 2023. Collection method: clinical testing. Allele origin: germline.

GeneDx
Classification: Uncertain significance. Last evaluated: 2023-03-10. Review status: criteria provided, single submitter. Criteria: GeneDx Variant Classification Process June 2021. Collection method: clinical testing. Allele origin: germline. Affected: yes.
Comment: Not observed at significant frequency in large population cohorts (gnomAD); In silico analysis supports that this missense variant has a deleterious effect on protein structure/function; Has not been previously published as pathogenic or benign to our knowledge

Labcorp Genetics (formerly Invitae), Labcorp
Classification: Uncertain significance. Last evaluated: 2022-07-06. Review status: criteria provided, single submitter. Criteria: Invitae Variant Classification Sherloc (09022015). Collection method: clinical testing. Allele origin: germline.
Comment: This sequence change replaces arginine, which is basic and polar, with tryptophan, which is neutral and slightly polar, at codon 213 of the SLC26A4 protein (p.Arg213Trp). This variant is not present in population databases (gnomAD no frequency). This variant has not been reported in the literature in individuals affected with SLC26A4-related conditions. Advanced modeling of protein sequence and biophysical properties (such as structural, functional, and spatial information, amino acid conservation, physicochemical variation, residue mobility, and thermodynamic stability) performed at Invitae indicates that this missense variant is expected to disrupt SLC26A4 protein function. In summary, the available evidence is currently insufficient to determine the role of this variant in disease. Therefore, it has been classified as a Variant of Uncertain Significance.